The following is an entry in ClinVar:

NM_018975.4(TERF2IP):c.910G>A (p.Glu304Lys)

Gene: TERF2IP (TERF2 interacting protein; plus strand). Cytogenetic location: 16q23.1.
Variant type: single nucleotide variant.
Coding change: c.910G>A on transcript NM_018975.4 (MANE Select); coding-DNA position 910, G replaced by A.
Protein change: p.Glu304Lys; replaces glutamic acid 304 with lysine.
Molecular consequence: missense variant. On other transcripts: non-coding transcript variant (1).
Genome position (GRCh38, 1-based): chr16:75,656,321, G>A. VCF-style: chr16-75656321-G-A. GRCh37 (hg19) VCF-style: chr16-75690219-G-A.
Other names: short protein forms E304K.
Identifiers: ClinVar variation 1765837 (VCV001765837.2), dbSNP rs1567511259, ClinGen allele CA396819855.

ClinVar aggregate classification (germline): Uncertain significance (1 of 4 stars; one submission).

Submission:

Ambry Genetics
Classification: Uncertain significance. Last evaluated: 2021-10-19. Review status: criteria provided, single submitter. Criteria: Ambry Variant Classification Scheme 2023. Collection method: clinical testing. Allele origin: germline.
Comment: The p.E304K variant (also known as c.910G>A), located in coding exon 3 of the TERF2IP gene, results from a G to A substitution at nucleotide position 910. The glutamic acid at codon 304 is replaced by lysine, an amino acid with similar properties. This amino acid position is conserved. In addition, this alteration is predicted to be tolerated by in silico analysis. Since supporting evidence is limited at this time, the clinical significance of this alteration remains unclear.